The following is an entry in ClinVar:

ClinVar aggregate classification (germline): Pathogenic. Review status: criteria provided, multiple submitters, no conflicts (2 of 4 stars). 6 submissions from 6 submitters: Pathogenic (6). Last evaluated 2026-01-09.

Conditions:
Hereditary cancer-predisposing syndrome. Also called: Neoplastic Syndromes, Hereditary; Hereditary Cancer Syndrome; Tumor predisposition; Hereditary neoplastic syndrome. Identifiers: Orphanet 140162, MedGen C0027672, MeSH D009386, MONDO:0015356.
Familial adenomatous polyposis 2. Also called: MUTYH-associated polyposis; MUTYH Polyposis; FAP type 2; Adenomas, multiple colorectal; COLORECTAL ADENOMATOUS POLYPOSIS, AUTOSOMAL RECESSIVE; ADENOMAS, MULTIPLE COLORECTAL, AUTOSOMAL RECESSIVE. Identifiers: Orphanet 220460, Orphanet 247798, MedGen C3272841, MONDO:0012041, OMIM 608456.

Allele frequency attached by ClinVar (database versions not stated): gnomAD exomes 0.00001 and 0.00002.
gnomAD v4.1: 27 of 1,614,196 alleles (0.0017%); highest among the groups gnomAD compares: Non-Finnish European, 0.0023%; no homozygotes.

Submissions (6):

Labcorp Genetics (formerly Invitae), Labcorp
Classification: Pathogenic for Familial adenomatous polyposis 2. Last evaluated: 2026-01-09. Review status: criteria provided, single submitter. Criteria: Invitae Variant Classification Sherloc (09022015). Collection method: clinical testing. Allele origin: germline.
Comment: This sequence change creates a premature translational stop signal (p.Gln314*) in the MUTYH gene. It is expected to result in an absent or disrupted protein product. Loss-of-function variants in MUTYH are known to be pathogenic (PMID: 18534194, 20663686). This variant is present in population databases (rs587781338, gnomAD 0.003%). This premature translational stop signal has been observed in individual(s) with a personal and family history of prostate cancer and MUTYH-associated polyposis (PMID: 15635083, 24556621). This variant is also known as Q300X. ClinVar contains an entry for this variant (Variation ID: 140876). Algorithms developed to predict the effect of sequence changes on RNA splicing suggest that this variant may disrupt the consensus splice site. For these reasons, this variant has been classified as Pathogenic.

Center for Genomic Medicine, Rigshospitalet, Copenhagen University Hospital
Classification: Pathogenic. Last evaluated: 2025-12-29. Review status: criteria provided, single submitter. Criteria: ACMG Guidelines, 2015. Collection method: clinical testing. Allele origin: germline.

Color Diagnostics, LLC DBA Color Health
Classification: Pathogenic for Hereditary cancer-predisposing syndrome. Last evaluated: 2025-06-23. Review status: criteria provided, single submitter. Criteria: ACMG Guidelines, 2015. Collection method: clinical testing. Allele origin: germline.
Comment: This variant changes 1 nucleotide in exon 11/16 of the MUTYH gene, creating a premature translation stop signal. This variant is expected to result in an absent or non-functional protein product. This variant has been reported with a second pathogenic variant in an individual affected with polyposis (PMID: 15635083) and in an individual affected with prostate cancer (PMID: 24556621). This variant has been identified in 3/251468 chromosomes in the general population by the Genome Aggregation Database (gnomAD). Loss of MUTYH function is a known mechanism of disease. Based on the available evidence, this variant is classified as Pathogenic.

GeneDx
Classification: Pathogenic. Last evaluated: 2024-05-05. Review status: criteria provided, single submitter. Criteria: GeneDx Variant Classification Process June 2021. Collection method: clinical testing. Allele origin: germline. Affected: yes.
Comment: Nonsense variant predicted to result in protein truncation or nonsense mediated decay in a gene for which loss of function is a known mechanism of disease; Not observed at significant frequency in large population cohorts (gnomAD); Also known as Q300X; This variant is associated with the following publications: (PMID: 17949294, 25525159, 19725997, 37319387, 24556621, 26556299, 30787465, Sadaps2019[Abstract], 34761457, 15635083)

Ambry Genetics
Classification: Pathogenic for Hereditary cancer-predisposing syndrome. Last evaluated: 2024-01-05. Review status: criteria provided, single submitter. Criteria: Ambry Variant Classification Scheme 2023. Collection method: clinical testing. Allele origin: germline.
Comment: The p.Q314* pathogenic mutation (also known as c.940C>T), located in exon 11 of the MUTYH gene, results from a C to T substitution at nucleotide position 940. This changes the amino acid from a glutamine to a stop codon within exon 11. This mutation has been reported in an individual with polyposis who also harbored the MUTYH p.Y179C mutation (Eliason K et al. J. Med. Genet. 2005 Jan;42(1):95-6). This mutation has also been reported in the heterozygous state in familial prostate cancer (Leongamornlert D et al. Br. J. Cancer 2014 Mar;110(6):1663-72). In addition to the clinical data presented in the literature, this alteration is expected to result in loss of function by premature protein truncation or nonsense-mediated mRNA decay. As such, this alteration is interpreted as a disease-causing mutation.

Baylor Genetics
Classification: Pathogenic for Familial adenomatous polyposis 2. Last evaluated: 2023-04-16. Review status: criteria provided, single submitter. Criteria: ACMG Guidelines, 2015. Collection method: clinical testing. Allele origin: unknown.

Literature cited by the submitters: PubMed 18534194 (cited by Labcorp Genetics (formerly Invitae), Labcorp); PubMed 20663686 (cited by Labcorp Genetics (formerly Invitae), Labcorp); PubMed 15635083 (cited by 3 submitters); PubMed 24556621 (cited by 3 submitters); PubMed 34761457 (cited by Center for Genomic Medicine, Rigshospitalet, Copenhagen University Hospital).

NM_001048174.2(MUTYH):c.856C>T (p.Gln286Ter)

Gene: MUTYH (mutY DNA glycosylase; minus strand). Cytogenetic location: 1p34.1.
Variant type: single nucleotide variant.
Coding change: c.856C>T on transcript NM_001048174.2 (MANE Select); coding-DNA position 856, C replaced by T.
Protein change: p.Gln286Ter; replaces glutamine 286 with a stop codon.
Molecular consequence: nonsense. On other transcripts: non-coding transcript variant (2).
Genome position (GRCh38, 1-based): chr1:45,332,080, G>A on the plus strand (C>T on the coding strand, the complement: MUTYH is on the minus strand). VCF-style: chr1-45332080-G-A. GRCh37 (hg19) VCF-style: chr1-45797752-G-A.
Other names: c.856C>T, p.Gln286Ter (NM_001048171.2, NM_001048173.2, NM_001293195.2); c.859C>T, p.Gln287Ter (NM_001048172.2); c.940C>T, p.Gln314Ter (NM_001128425.2); c.901C>T, p.Gln301Ter (NM_001293190.2); c.889C>T, p.Gln297Ter (NM_001293191.2); c.580C>T, p.Gln194Ter (NM_001293192.2, NM_001293196.2); c.511C>T, p.Gln171Ter (NM_001350650.2, NM_001350651.2); c.931C>T, p.Gln311Ter (NM_012222.3); short protein forms Q314*, Q194*, Q311*, Q171*, Q297*, Q301*, Q286*, Q287*.
Identifiers: ClinVar variation 140876 (VCV000140876.21), dbSNP rs587781338, ClinGen allele CA014709.